The following is an entry in ClinVar:

ClinVar aggregate classification (germline): Pathogenic (1 of 4 stars; one submission).

Conditions:
Fanconi anemia (FA). Also called: Fanconi's anemia. Identifiers: Orphanet 84, MedGen C0015625, MeSH D005199, MONDO:0019391.

Submission:

Labcorp Genetics (formerly Invitae), Labcorp
Classification: Pathogenic for Fanconi anemia. Last evaluated: 2023-07-25. Review status: criteria provided, single submitter. Criteria: Invitae Variant Classification Sherloc (09022015). Collection method: clinical testing. Allele origin: germline.
Comment: This variant has not been reported in the literature in individuals affected with FANCM-related conditions. For these reasons, this variant has been classified as Pathogenic. This variant is not present in population databases (gnomAD no frequency). This sequence change creates a premature translational stop signal (p.Val1214Serfs*5) in the FANCM gene. It is expected to result in an absent or disrupted protein product. Loss-of-function variants in FANCM are known to be pathogenic (PMID: 29895858, 30075111).

Literature cited by the submitters: PubMed 29895858; PubMed 30075111.

NM_020937.4(FANCM):c.3639dup (p.Val1214fs)

Gene: FANCM (FA complementation group M; plus strand). Cytogenetic location: 14q21.2.
Variant type: Duplication.
Coding change: c.3639dup on transcript NM_020937.4 (MANE Select); coding-DNA position 3639, one base duplicated (A; older notation c.3639dupA).
Protein change: p.Val1214fs; shifts the reading frame from valine 1214.
Molecular consequence: frameshift variant.
Genome position (GRCh38, 1-based): chr14:45,176,393, A duplicated; the last of 5 consecutive A bases (chr14:45,176,389-45,176,393); duplicating any one gives the same sequence. VCF-style (leftmost placement, unchanged base first): chr14-45176388-G-GA. GRCh37 (hg19) VCF-style: chr14-45645591-G-GA.
Other names: c.3561dup, p.Val1188fs (NM_001308133.2); short protein forms V1188fs, V1214fs.
Identifiers: ClinVar variation 2780810 (VCV002780810.3), dbSNP rs2503193129, ClinGen allele CA2739277947.
Genomic context (GRCh38, chr14:45,176,388, plus strand): 5'-GATCAAATCACCCGTGATGCTAATAGTTTTAAATCTCGTGATCAGAGAGGTGTACAGGAA[G>GA]AAAAAGTGAAGAATCATGAGGATATTTTTGATTGCTCTAGGGATTTATTTTCTGTTACCT-3'